The following is an entry in ClinVar:

NM_002907.4(RECQL):c.1398G>T (p.Trp466Cys)

Gene: RECQL (RecQ like helicase; minus strand). Cytogenetic location: 12p12.1.
Variant type: single nucleotide variant.
Coding change: c.1398G>T on transcript NM_002907.4 (MANE Select); coding-DNA position 1398, G replaced by T.
Protein change: p.Trp466Cys; replaces tryptophan 466 with cysteine.
Molecular consequence: missense variant.
Genome position (GRCh38, 1-based): chr12:21,473,600, C>A on the plus strand (G>T on the coding strand, the complement: RECQL is on the minus strand). VCF-style: chr12-21473600-C-A. GRCh37 (hg19) VCF-style: chr12-21626534-C-A.
Other names: c.1398G>T, p.Trp466Cys (NM_032941.3); short protein forms W466C.
Identifiers: ClinVar variation 4576960 (VCV004576960.1).
Genomic context (GRCh38, chr12:21,473,600, plus strand): 5'-AACAAACTCACCACTGTCTTTACAGCAGTTATCGCACATTTTGTTACATGCTTCTGAGTT[C>A]CATACTTCATCAAAATGTTGAGCCATCAACACACGACGACATCTGCAAACACATTTAAAG-3'
Protein context (NP_002898.2, residues 456-476): VLMAQHFDEV[Trp466Cys]NSEACNKMCD

ClinVar aggregate classification (germline): Uncertain significance (1 of 4 stars; one submission).

Submission:

Ambry Genetics
Classification: Uncertain significance. Last evaluated: 2025-12-03. Review status: criteria provided, single submitter. Criteria: Ambry Variant Classification Scheme 2023. Collection method: clinical testing. Allele origin: germline.
Comment: The p.W466C variant (also known as c.1398G>T), located in coding exon 11 of the RECQL gene, results from a G to T substitution at nucleotide position 1398. The tryptophan at codon 466 is replaced by cysteine, an amino acid with highly dissimilar properties. This amino acid position is conserved. In addition, this alteration is predicted to be deleterious by in silico analysis. Based on the available evidence, the clinical significance of this variant remains unclear.